The following is an entry in ClinVar:

ClinVar aggregate classification (germline): Pathogenic (1 of 4 stars; one submission).

Conditions:
Bifunctional peroxisomal enzyme deficiency (DBIF). Also called: DBP DEFICIENCY; PBFE DEFICIENCY; D-bifunctional protein deficiency. Identifiers: Orphanet 300, MedGen C0342870, MONDO:0009855, OMIM 261515. Disease mechanism: loss of function.

Submission:

Victorian Clinical Genetics Services, Murdoch Childrens Research Institute
Classification: Pathogenic for Bifunctional peroxisomal enzyme deficiency. Last evaluated: 2025-07-29. Review status: criteria provided, single submitter. Criteria: ACMG Guidelines, 2015. Collection method: clinical testing. Allele origin: germline. Affected: yes.
Comment: This variant is classified as Pathogenic. Evidence in support of pathogenic classification: Variant is predicted to cause nonsense-mediated decay (NMD) and loss of protein (premature termination codon is located at least 54 nucleotides upstream of the final exon-exon junction); Variant is absent from gnomAD (v2, v3 and v4); Other NMD-predicted variant(s) comparable to the one identified in this case have very strong previous evidence for pathogenicity (DECIPHER). Additional information: This variant is heterozygous; This gene is associated with autosomal recessive disease; This variant has no previous evidence of pathogenicity; Loss of function is a known mechanism of disease in this gene and is associated with D-bifunctional protein deficiency (MIM#261515) and Perrault syndrome 1 (MIM#233400).

NM_000414.4(HSD17B4):c.449C>A (p.Ser150Ter)

Gene: HSD17B4 (hydroxysteroid 17-beta dehydrogenase 4; plus strand). Cytogenetic location: 5q23.1.
Variant type: single nucleotide variant.
Coding change: c.449C>A on transcript NM_000414.4 (MANE Select); coding-DNA position 449, C replaced by A.
Protein change: p.Ser150Ter; replaces serine 150 with a stop codon.
Molecular consequence: nonsense. On other transcripts: non-coding transcript variant (2).
Genome position (GRCh38, 1-based): chr5:119,478,848, C>A. VCF-style: chr5-119478848-C-A. GRCh37 (hg19) VCF-style: chr5-118814543-C-A.
Other names: c.524C>A, p.Ser175Ter (NM_001199291.3); c.395C>A, p.Ser132Ter (NM_001199292.2); c.377C>A, p.Ser126Ter (NM_001292027.2); c.29C>A, p.Ser10Ter (NM_001292028.2); c.440C>A, p.Ser147Ter (NM_001374497.1); c.449C>A, p.Ser150Ter (NM_001374498.1); c.122C>A, p.Ser41Ter (NM_001374499.1); c.8C>A, p.Ser3Ter (NM_001374500.1); and 1 more; short protein forms S10*, S126*, S13*, S132*, S147*, S150*, S175*, S3*.
Identifiers: ClinVar variation 4531962 (VCV004531962.1).